The following is an entry in ClinVar:

ClinVar aggregate classification (germline): Uncertain significance. Review status: criteria provided, multiple submitters, no conflicts (2 of 4 stars). 3 submissions from 3 submitters: Uncertain significance (3). Last evaluated 2026-03-03.

Conditions:
Hypertrophic cardiomyopathy 19. Also called: Familial hypertrophic cardiomyopathy 19. Identifiers: MedGen CN077603, MONDO:0013476.

Allele frequency attached by ClinVar (database versions not stated): gnomAD 0.00001; TOPMed 0.00001; gnomAD exomes 0.00002.
gnomAD v4.1: 29 of 1,614,002 alleles (0.0018%); highest among the groups gnomAD compares: African/African-American, 0.004%; no homozygotes.

Submissions (3):

Women's Health and Genetics/Laboratory Corporation of America, LabCorp
Classification: Uncertain significance. Last evaluated: 2026-03-03. Review status: criteria provided, single submitter. Criteria: LabCorp Variant Classification Summary - May 2015. Collection method: clinical testing. Allele origin: germline.
Comment: Variant summary: CALR3 c.779C>T (p.Pro260Leu) results in a non-conservative amino acid change in the encoded protein sequence. Algorithms developed to predict the effect of missense changes on protein structure and function are either unavailable or do not agree on the potential impact of this missense change. The variant was absent in 251362 control chromosomes. The available data on variant occurrences in the general population are insufficient to allow any conclusion about variant significance. To our knowledge, no occurrence of c.779C>T in individuals affected with CALR3-related conditions and no experimental evidence demonstrating its impact on protein function have been reported. ClinVar contains an entry for this variant (Variation ID: 2148217). Based on the evidence outlined above, the variant was classified as uncertain significance.

Labcorp Genetics (formerly Invitae), Labcorp
Classification: Uncertain significance for Hypertrophic cardiomyopathy 19. Last evaluated: 2023-09-21. Review status: criteria provided, single submitter. Criteria: Invitae Variant Classification Sherloc (09022015). Collection method: clinical testing. Allele origin: germline.
Comment: In summary, the available evidence is currently insufficient to determine the role of this variant in disease. Therefore, it has been classified as a Variant of Uncertain Significance. Advanced modeling of protein sequence and biophysical properties (such as structural, functional, and spatial information, amino acid conservation, physicochemical variation, residue mobility, and thermodynamic stability) performed at Invitae indicates that this missense variant is not expected to disrupt CALR3 protein function. ClinVar contains an entry for this variant (Variation ID: 2148217). This variant has not been reported in the literature in individuals affected with CALR3-related conditions. This variant is not present in population databases (gnomAD no frequency). This sequence change replaces proline, which is neutral and non-polar, with leucine, which is neutral and non-polar, at codon 260 of the CALR3 protein (p.Pro260Leu).

Ambry Genetics
Classification: Uncertain significance. Last evaluated: 2023-09-20. Review status: criteria provided, single submitter. Criteria: Ambry Variant Classification Scheme 2023. Collection method: clinical testing. Allele origin: germline.

NM_145046.5(CALR3):c.779C>T (p.Pro260Leu)

Gene: CALR3 (calreticulin 3; minus strand). Cytogenetic location: 19p13.11.
Variant type: single nucleotide variant.
Coding change: c.779C>T on transcript NM_145046.5 (MANE Select); coding-DNA position 779, C replaced by T.
Protein change: p.Pro260Leu; replaces proline 260 with leucine.
Molecular consequence: missense variant.
Genome position (GRCh38, 1-based): chr19:16,482,685, G>A on the plus strand (C>T on the coding strand, the complement: CALR3 is on the minus strand). VCF-style: chr19-16482685-G-A. GRCh37 (hg19) VCF-style: chr19-16593496-G-A.
Other names: c.779C>T (NM_145046.3); short protein forms P260L.
Identifiers: ClinVar variation 2148217 (VCV002148217.6), dbSNP rs1003038871, ClinGen allele CA305981542.